The following is an entry in ClinVar:

NM_005529.7(HSPG2):c.833G>T (p.Gly278Val)

Gene: HSPG2 (heparan sulfate proteoglycan 2; minus strand). Cytogenetic location: 1p36.12.
Variant type: single nucleotide variant.
Coding change: c.833G>T on transcript NM_005529.7 (MANE Select); coding-DNA position 833, G replaced by T.
Protein change: p.Gly278Val; replaces glycine 278 with valine.
Molecular consequence: missense variant.
Genome position (GRCh38, 1-based): chr1:21,887,545, C>A on the plus strand (G>T on the coding strand, the complement: HSPG2 is on the minus strand). VCF-style: chr1-21887545-C-A. GRCh37 (hg19) VCF-style: chr1-22214038-C-A.
Other names: c.833G>T, p.Gly278Val (NM_001291860.2); short protein forms G278V.
Identifiers: ClinVar variation 874995 (VCV000874995.11), dbSNP rs766807669, ClinGen allele CA673684.
Genomic context (GRCh38, chr1:21,887,545, plus strand): 5'-ATGCAGTGCCCATTGCGGCATGCGGCCTCCTGGGGCCCACAGGGCAGGGGCCTGACGGAA[C>A]CGGGAAGCAGGGGCTGAGGAGCGTGGGTGACTGGTGGCTGTCGCATGATGGTTGTCTCTG-3'
Protein context (NP_005520.4, residues 268-288): VTHAPQPLLP[Gly278Val]SVRPLPCGPQ

ClinVar aggregate classification (germline): Uncertain significance. Review status: criteria provided, multiple submitters, no conflicts (2 of 4 stars). 4 submissions from 3 submitters: Uncertain significance (4). Last evaluated 2025-12-14.

Conditions:
Schwartz-Jampel syndrome. Also called: Myotonic myopathy dwarfism chondrodystrophy and ocular and facial abnormalities. Identifiers: Orphanet 800, MedGen C0036391, MONDO:0009717.
Lethal Kniest-like syndrome (DDSH). Also called: Dyssegmental Dysplasia. Identifiers: Orphanet 1865, MedGen C1857100, MONDO:0009140, OMIM 224410.

Allele frequency attached by ClinVar (database versions not stated): ExAC 0.00001; gnomAD exomes 0.00001; TOPMed 0.00005.
gnomAD v4.1: 26 of 1,614,014 alleles (0.0016%); highest among the groups gnomAD compares: Admixed American, 0.027%; no homozygotes.

Submissions (4):

Labcorp Genetics (formerly Invitae), Labcorp
Classification: Uncertain significance. Last evaluated: 2025-12-14. Review status: criteria provided, single submitter. Criteria: Invitae Variant Classification Sherloc (09022015). Collection method: clinical testing. Allele origin: germline.
Comment: This sequence change replaces glycine, which is neutral and non-polar, with valine, which is neutral and non-polar, at codon 278 of the HSPG2 protein (p.Gly278Val). This variant is present in population databases (rs766807669, gnomAD 0.006%). This variant has not been reported in the literature in individuals affected with HSPG2-related conditions. ClinVar contains an entry for this variant (Variation ID: 874995). An algorithm developed to predict the effect of missense changes on protein structure and function (PolyPhen-2) suggests that this variant is likely to be tolerated. Algorithms developed to predict the effect of sequence changes on RNA splicing suggest that this variant may create or strengthen a splice site. In summary, the available evidence is currently insufficient to determine the role of this variant in disease. Therefore, it has been classified as a Variant of Uncertain Significance.

Athena Diagnostics
Classification: Uncertain significance. Last evaluated: 2020-06-08. Review status: criteria provided, single submitter. Criteria: Athena Diagnostics Criteria. Collection method: clinical testing. Allele origin: unknown.

Illumina Laboratory Services, Illumina
Classification: Uncertain significance for Schwartz-Jampel syndrome type 1. Last evaluated: 2018-01-13. Review status: criteria provided, single submitter. Criteria: ICSL Variant Classification Criteria 13 December 2019. Collection method: clinical testing. Allele origin: germline.

Illumina Laboratory Services, Illumina
Classification: Uncertain significance for Lethal Kniest-like syndrome. Last evaluated: 2018-01-13. Review status: criteria provided, single submitter. Criteria: ICSL Variant Classification Criteria 13 December 2019. Collection method: clinical testing. Allele origin: germline.